The following is an entry in ClinVar:

NM_017654.4(SAMD9):c.2200C>G (p.His734Asp)

Gene: SAMD9 (sterile alpha motif domain containing 9; minus strand). Cytogenetic location: 7q21.2.
Variant type: single nucleotide variant.
Coding change: c.2200C>G on transcript NM_017654.4 (MANE Select); coding-DNA position 2200, C replaced by G.
Protein change: p.His734Asp; replaces histidine 734 with aspartic acid.
Molecular consequence: missense variant.
Genome position (GRCh38, 1-based): chr7:93,103,898, G>C on the plus strand (C>G on the coding strand, the complement: SAMD9 is on the minus strand). VCF-style: chr7-93103898-G-C. GRCh37 (hg19) VCF-style: chr7-92733211-G-C.
Other names: c.2200C>G, p.His734Asp (NM_001193307.2); short protein forms H734D.
Identifiers: ClinVar variation 3254866 (VCV003254866.2), dbSNP rs2535358818.

ClinVar aggregate classification (germline): Likely pathogenic (1 of 4 stars; one submission).

Conditions:
MIRAGE syndrome. Also called: MYELODYSPLASIA, INFECTION, RESTRICTION OF GROWTH, ADRENAL HYPOPLASIA, GENITAL PHENOTYPES, AND ENTEROPATHY. Identifiers: Orphanet 494433, MedGen C4284088, MONDO:0014888, OMIM 617053.

Submission:

Victorian Clinical Genetics Services, Murdoch Childrens Research Institute
Classification: Likely pathogenic for MIRAGE syndrome. Last evaluated: 2024-10-10. Review status: criteria provided, single submitter. Criteria: ACMG Guidelines, 2015. Collection method: clinical testing. Allele origin: germline. Inheritance: Autosomal dominant inheritance. Affected: yes.
Comment: Based on the classification scheme VCGS_Germline_v1.3.5, this variant is classified as Likely pathogenic. Following criteria are met: 0101 - Gain of function is a known mechanism of disease in this gene and is associated with MIRAGE syndrome (MIM#617053) (PMID: 33237688). Monosomy 7 myelodysplasia and leukaemia syndrome 2 (MIM#619041) is the result of a somatic compensatory mechanism, reversing the germline gain of function (PMID: 34621053). (I) 0107 - This gene is associated with autosomal dominant disease. (I) 0112 - The condition associated with this gene has incomplete penetrance (PMID: 34621053). (I) 0115 - Variants in this gene are known to have variable expressivity (PMID: 34621053). (I) 0200 - Variant is predicted to result in a missense amino acid change from histidine to aspartic acid. (I) 0251 - This variant is heterozygous. (I) 0301 - Variant is absent from gnomAD (v2, v3 and v4). (SP) 0309 - An alternative amino acid change at the same position has been observed in gnomAD (highest allele count, v3: 4 heterozygotes, 0 homozygotes). (I) 0502 - Missense variant with conflicting in silico predictions and uninformative conservation. (I) 0604 - Variant is not located in an established domain, motif, hotspot or informative constraint region. (I) 0710 - Another missense variant comparable to the one identified in this case has inconclusive previous evidence for pathogenicity. p.(His734Gln) has been classified as a VUS in ClinVar. (I) 0807 - This variant has no previous evidence of pathogenicity. (I) 0905 - No published segregation evidence has been identified for this variant. (I) 1007 - No published functional evidence has been identified for this variant. (I) 1102 - Phenotype match for this individual. (SP) Legend: (SP) - Supporting pathogenic, (I) - Information, (SB) - Supporting benign

Literature cited by the submitters: PubMed 33237688; PubMed 34621053.